The following is an entry in ClinVar:

NM_004727.3(SLC24A1):c.2071A>G (p.Lys691Glu)

Gene: SLC24A1 (solute carrier family 24 member 1; plus strand). Cytogenetic location: 15q22.31.
Variant type: single nucleotide variant.
Coding change: c.2071A>G on transcript NM_004727.3 (MANE Select); coding-DNA position 2071, A replaced by G.
Protein change: p.Lys691Glu; replaces lysine 691 with glutamic acid.
Molecular consequence: missense variant.
Genome position (GRCh38, 1-based): chr15:65,644,444, A>G. VCF-style: chr15-65644444-A-G. GRCh37 (hg19) VCF-style: chr15-65936782-A-G.
Other names: c.52A>G, p.Lys18Glu (NM_001254740.2); c.2071A>G, p.Lys691Glu (NM_001301031.1); c.2017A>G, p.Lys673Glu (NM_001301032.1, NM_001301033.2); c.2071A>G (NM_004727.2); short protein forms K673E, K691E, K18E.
Identifiers: ClinVar variation 1923995 (VCV001923995.6), dbSNP rs774184840, ClinGen allele CA7620089.

ClinVar aggregate classification (germline): Uncertain significance. Review status: criteria provided, multiple submitters, no conflicts (2 of 4 stars). 2 submissions from 2 submitters: Uncertain significance (2). Last evaluated 2025-03-31.

Conditions:
Inborn genetic diseases. Identifiers: MedGen C0950123, MeSH D030342.

Allele frequency attached by ClinVar (database versions not stated): ExAC 0.00005; TOPMed below 0.00001; gnomAD exomes 0.00002.
gnomAD v4.1: 29 of 1,593,970 alleles (0.0018%); highest among the groups gnomAD compares: South Asian, 0.019%; no homozygotes.

Submissions (2):

Labcorp Genetics (formerly Invitae), Labcorp
Classification: Uncertain significance. Last evaluated: 2025-03-31. Review status: criteria provided, single submitter. Criteria: Invitae Variant Classification Sherloc (09022015). Collection method: clinical testing. Allele origin: germline.
Comment: This sequence change replaces lysine, which is basic and polar, with glutamic acid, which is acidic and polar, at codon 691 of the SLC24A1 protein (p.Lys691Glu). This variant is present in population databases (rs774184840, gnomAD 0.02%). This variant has not been reported in the literature in individuals affected with SLC24A1-related conditions. ClinVar contains an entry for this variant (Variation ID: 1923995). An algorithm developed to predict the effect of missense changes on protein structure and function (PolyPhen-2) suggests that this variant is likely to be tolerated. In summary, the available evidence is currently insufficient to determine the role of this variant in disease. Therefore, it has been classified as a Variant of Uncertain Significance.

Ambry Genetics
Classification: Uncertain significance for Inborn genetic diseases. Last evaluated: 2024-02-28. Review status: criteria provided, single submitter. Criteria: Ambry Variant Classification Scheme 2023. Collection method: clinical testing. Allele origin: germline.